The following is an entry in ClinVar:

ClinVar aggregate classification (germline): Pathogenic; drug response. Review status: reviewed by expert panel (3 of 4 stars). 27 submissions from 26 submitters: Pathogenic (1). 25 of the submissions do not count toward it. Last evaluated 2021-03-24.

Conditions:
Cystic fibrosis diagnostic test.
CFTR-related disorder (CFTR-RD). Also called: CFTR-related condition; CFTR-related disorders. Identifiers: MedGen C5924204, MONDO:7770004.
Cystic fibrosis (CF). Also called: MUCOVISCIDOSIS. Identifiers: Orphanet 586, MedGen C0010674, MONDO:0009061, OMIM 219700. Disease mechanism: loss of function.
Congenital bilateral aplasia of vas deferens from CFTR mutation (CBAVD). Identifiers: Orphanet 48, MedGen C0403814, MONDO:0010178, OMIM 277180. Disease mechanism: loss of function.
Bronchiectasis with or without elevated sweat chloride 1 (BESC1). Also called: Cystic Fibrosis-Like Syndrome. Identifiers: Orphanet 60033, MedGen C2749757, MONDO:0008887, OMIM 211400.
Hereditary pancreatitis (PCTT). Also called: Hereditary chronic pancreatitis; PRSS1-Related Hereditary Pancreatitis. Identifiers: Orphanet 676, MedGen C0238339, MONDO:0008185, OMIM 167800.
ivacaftor response - Efficacy. Identifiers: MedGen CN322735.

Allele frequency attached by ClinVar (database versions not stated): TOPMed 0.00002; gnomAD 0.00003 and 0.00004; gnomAD exomes 0.00007; ExAC 0.00010.
gnomAD v4.1: 66 of 1,614,012 alleles (0.0041%); highest among the groups gnomAD compares: Admixed American, 0.0067%; no homozygotes.

Submissions 1 to 13 of 27:

ClinPGx
Classification: drug response for ivacaftor response - Efficacy. Last evaluated: 2021-03-24. Review status: reviewed by expert panel. Criteria: Pharmacogenomics knowledge for personalized medicine. Collection method: curation. Allele origin: germline. Affected: yes.
Comment: PharmGKB Level of Evidence 1A: Level 1A clinical annotations describe variant-drug combinations that have variant-specific prescribing guidance available in a current clinical guideline annotation or an FDA-approved drug label annotation. Annotations of drug labels or clinical guidelines must give prescribing guidance for specific variants (e.g. CYP2C9*3, HLA-B*57:01) or provide mapping from defined allele functions to diplotypes and phenotypes to be used as supporting evidence for a level 1A clinical annotation. Level 1A clinical annotations must also be supported by at least one publication in addition to a clinical guideline or drug label with variant-specific prescribing guidance.

Drug is not necessarily used to treat response condition

CFTR2
Classification: Pathogenic for Cystic fibrosis. Last evaluated: 2017-03-17. Review status: reviewed by expert panel. Criteria: Sosnay PR et al. (Nat Genet 2013). Collection method: research. Allele origin: germline. Affected: yes. Study: CFTR2.

CeGaT Center for Human Genetics Tuebingen
Classification: Pathogenic. Last evaluated: 2026-07-01. Review status: criteria provided, single submitter. Criteria: CeGaT Center For Human Genetics Tuebingen Variant Classification Criteria Version 2. Collection method: clinical testing. Allele origin: germline. Affected: yes. Observed: 1 variant allele. Not counted in ClinVar's aggregate classification.
Comment: CFTR: PM3:Very Strong, PM2, PS3:Supporting

Dasa
Classification: Pathogenic. Last evaluated: 2026-03-23. Review status: criteria provided, single submitter. Criteria: DASA Assertion Criteria. Collection method: clinical testing. Allele origin: germline. Not counted in ClinVar's aggregate classification.
Comment: NM_000492.4(CFTR):c.2834C>T (p.Ser945Leu) is a missense variant that results in the substitution of serine with leucine. The affected residue or protein region has prior evidence supporting clinical relevance. This variant has been observed in affected individuals with related phenotype in a genotype context consistent with recessive disease (PMID: 36467478; PMID: 39857666; PMID: 32429104; PMID: 40065563). Functional evidence supports a deleterious effect on the gene or gene product (PMID: 36467478; PMID: 39857666; PMID: 32429104; PMID: 40065563). This variant has been recurrently observed in individuals with related phenotype (PMID: 36467478; PMID: 39857666; PMID: 32429104; PMID: 40065563). Multiple computational predictions support a deleterious effect on the gene or gene product. The variant is present at low frequency in population datasets. Based on the available data, this variant is classified as pathogenic.

Labcorp Genetics (formerly Invitae), Labcorp
Classification: Pathogenic for Cystic fibrosis. Last evaluated: 2025-12-28. Review status: criteria provided, single submitter. Criteria: Invitae Variant Classification Sherloc (09022015). Collection method: clinical testing. Allele origin: germline. Not counted in ClinVar's aggregate classification.
Comment: This sequence change replaces serine, which is neutral and polar, with leucine, which is neutral and non-polar, at codon 945 of the CFTR protein (p.Ser945Leu). This variant is present in population databases (rs397508442, gnomAD 0.03%). This missense change has been observed in individuals with cystic fibrosis (PMID: 16189704, 19318346, 21354377, 29279204, 29504914). ClinVar contains an entry for this variant (Variation ID: 53575). Invitae Evidence Modeling of protein sequence and biophysical properties (such as structural, functional, and spatial information, amino acid conservation, physicochemical variation, residue mobility, and thermodynamic stability) indicates that this missense variant is expected to disrupt CFTR protein function with a positive predictive value of 80%. Experimental studies have shown that this missense change affects CFTR function (PMID: 22545782, 23891399, 29279204). For these reasons, this variant has been classified as Pathogenic.

Natera, Inc.
Classification: Pathogenic for CFTR-related disorders. Last evaluated: 2025-12-19. Review status: criteria provided, single submitter. Criteria: Natera Variant Classification Schema (03/2026). Collection method: clinical testing. Allele origin: germline. Not counted in ClinVar's aggregate classification.
Comment: The c.2834C>T variant in CFTR is a missense variant predicted to cause substitution of serine to leucine at amino acid 945. This variant is rare in the general population with a frequency below the threshold expected for the associated phenotype(s). This variant has been observed in one or more individuals affected with the associated recessive disease, as either homozygous or compound heterozygous with a second variant (PMID: 30134826, 16189704). Given the available evidence, this variant is classified as Pathogenic.

NHS Central & South Genomic Laboratory Hub
Classification: Pathogenic for Cystic fibrosis diagnostic test. Last evaluated: 2025-10-21. Review status: criteria provided, single submitter. Criteria: ACMG Guidelines, 2015. Collection method: clinical testing. Allele origin: germline. Affected: yes. Not counted in ClinVar's aggregate classification.

Victorian Clinical Genetics Services, Murdoch Childrens Research Institute
Classification: Pathogenic for Cystic fibrosis. Last evaluated: 2025-06-26. Review status: criteria provided, single submitter. Criteria: ACMG Guidelines, 2015. Collection method: clinical testing. Allele origin: germline. Affected: no. Not counted in ClinVar's aggregate classification.
Comment: This variant is classified as Pathogenic. Evidence in support of pathogenic classification: Variant is present in gnomAD <0.01 for a recessive condition (v4: 66 heterozygote(s), 0 homozygote(s)); This variant has strong previous evidence of pathogenicity in unrelated individuals. This variant has been classified as pathogenic by the CFTR2 expert panel and reported to cause classic cystic fibrosis (ClinVar); Missense variant predicted to be damaging by in silico tool(s) or highly conserved with a major amino acid change. Additional information: Variant is predicted to result in a missense amino acid change from Ser to Leu; This variant is heterozygous; This gene is associated with autosomal recessive disease; Variant is located in the annotated ABC membrane domain (DECIPHER); Loss of function is a known mechanism of disease in this gene and is associated with cystic fibrosis (MIM#219700).

Fulgent Genetics
Classification: Pathogenic for Hereditary pancreatitis; Bronchiectasis with or without elevated sweat chloride 1; Cystic fibrosis; Congenital bilateral aplasia of vas deferens from CFTR mutation. Last evaluated: 2024-03-25. Review status: criteria provided, single submitter. Criteria: ACMG Guidelines, 2015. Collection method: clinical testing. Allele origin: germline. Not counted in ClinVar's aggregate classification.

Baylor Genetics
Classification: Pathogenic for Bronchiectasis with or without elevated sweat chloride 1. Last evaluated: 2024-02-01. Review status: criteria provided, single submitter. Criteria: ACMG Guidelines, 2015. Collection method: clinical testing. Allele origin: unknown. Not counted in ClinVar's aggregate classification.

Blueprint Genetics
Classification: Pathogenic for CFTR-related disorders. Last evaluated: 2023-06-05. Review status: criteria provided, single submitter. Criteria: ACMG Guidelines, 2015. Collection method: clinical testing. Allele origin: germline. Affected: yes. Observed: 5 variant alleles. Not counted in ClinVar's aggregate classification.

Quest Diagnostics Nichols Institute San Juan Capistrano
Classification: Pathogenic. Last evaluated: 2022-11-04. Review status: criteria provided, single submitter. Criteria: Quest Diagnostics criteria. Collection method: clinical testing. Allele origin: unknown. Not counted in ClinVar's aggregate classification.
Comment: The frequency of this variant in the general population, 0.00032 (8/25116 chromosomes), is uninformative in assessment of its pathogenicity. In the published literature, the variant has been reported in affected individuals with cystic fibrosis and pancreatic insufficiency (Cystic Fibrosis Mutation Database, CFTR2, PMIDs: 32429104 (2020), 28801929 (2017), 23891399 (2014), 23974870 (2013), 12955726 (2003), and 7691344 (1993)). Functional studies found that this variant caused misprocessing and decreased chloride transport (PMIDs: 16196493 (2005) and 23891399 (2014)). Analysis of this variant using bioinformatics tools for the prediction of the effect of amino acid changes on protein structure and function yielded predictions that this variant is damaging. Based on the available information, this variant is classified as pathogenic.

Institute of Human Genetics, University of Leipzig Medical Center
Classification: Likely pathogenic for Cystic fibrosis. Last evaluated: 2022-09-05. Review status: criteria provided, single submitter. Criteria: ACMG Guidelines, 2015. Collection method: curation. Allele origin: unknown. Affected: yes. Observed: 1 variant allele. Not counted in ClinVar's aggregate classification.
Comment: The variant was classified in the context of a project re-classifying variants in the German Cystic Fibrosis Registry (Muko.e.V.). Criteria applied: PS3_SUP, PM2_SUP, PM3_STR, PP3, PP4

NM_000492.4(CFTR):c.2834C>T (p.Ser945Leu)

Gene: CFTR (CF transmembrane conductance regulator; plus strand). Cytogenetic location: 7q31.2.
Variant type: single nucleotide variant.
Coding change: c.2834C>T on transcript NM_000492.4 (MANE Select); coding-DNA position 2834, C replaced by T.
Protein change: p.Ser945Leu; replaces serine 945 with leucine.
Molecular consequence: missense variant.
Genome position (GRCh38, 1-based): chr7:117,603,708, C>T. VCF-style: chr7-117603708-C-T. GRCh37 (hg19) VCF-style: chr7-117243762-C-T.
Other names: p.S945L; short protein forms S945L.
Identifiers: ClinVar variation 53575 (VCV000053575.51), dbSNP rs397508442, ClinGen allele CA345314.